The following is an entry in ClinVar:

NM_001061.7(TBXAS1):c.932C>T (p.Pro311Leu)

Gene: TBXAS1 (thromboxane A synthase 1; plus strand). Cytogenetic location: 7q34.
Variant type: single nucleotide variant.
Coding change: c.932C>T on transcript NM_001061.7 (MANE Select); coding-DNA position 932, C replaced by T.
Protein change: p.Pro311Leu; replaces proline 311 with leucine.
Molecular consequence: missense variant.
Genome position (GRCh38, 1-based): chr7:139,962,031, C>T. VCF-style: chr7-139962031-C-T. GRCh37 (hg19) VCF-style: chr7-139661830-C-T.
Other names: c.932C>T, p.Pro311Leu (NM_001130966.5, NM_030984.6); c.1070C>T, p.Pro357Leu (NM_001166253.4); c.731C>T, p.Pro244Leu (NM_001166254.4); c.875C>T, p.Pro292Leu (NM_001314028.4); c.749C>T, p.Pro250Leu (NM_001366537.3); c.935C>T (NM_001061.4); short protein forms P292L, P311L, P357L, P244L, P250L, P312L, P358L.
Identifiers: ClinVar variation 1927204 (VCV001927204.6), dbSNP rs202115912, ClinGen allele CA4511852.
Genomic context (GRCh38, chr7:139,962,031, plus strand): 5'-CCATGGGCGTGCAAGACTTTGACATCGTCAGAGACGTTTTCTCCTCTACTGGGTGCAAGC[C>T]GAACCCTTCCCGGCAACACCAGCCCAGCCCTATGGCCAGGCCTTTGACTGTGGATGAGAT-3'
Protein context (NP_001052.3, residues 301-321): RDVFSSTGCK[Pro311Leu]NPSRQHQPSP

ClinVar aggregate classification (germline): Uncertain significance. Review status: criteria provided, multiple submitters, no conflicts (2 of 4 stars). 2 submissions from 2 submitters: Uncertain significance (2). Last evaluated 2023-12-18.

Conditions:
Inborn genetic diseases. Identifiers: MedGen C0950123, MeSH D030342.

Allele frequency attached by ClinVar (database versions not stated): gnomAD 0.00002; TOPMed 0.00005.
gnomAD v4.1: 29 of 1,614,098 alleles (0.0018%); highest among the groups gnomAD compares: East Asian, 0.0045%; no homozygotes.

Submissions (2):

Ambry Genetics
Classification: Uncertain significance for Inborn genetic diseases. Last evaluated: 2023-12-18. Review status: criteria provided, single submitter. Criteria: Ambry Variant Classification Scheme 2023. Collection method: clinical testing. Allele origin: germline.

Labcorp Genetics (formerly Invitae), Labcorp
Classification: Uncertain significance. Last evaluated: 2022-03-14. Review status: criteria provided, single submitter. Criteria: Invitae Variant Classification Sherloc (09022015). Collection method: clinical testing. Allele origin: germline.
Comment: This sequence change replaces proline, which is neutral and non-polar, with leucine, which is neutral and non-polar, at codon 312 of the TBXAS1 protein (p.Pro312Leu). In summary, the available evidence is currently insufficient to determine the role of this variant in disease. Therefore, it has been classified as a Variant of Uncertain Significance. Algorithms developed to predict the effect of missense changes on protein structure and function (SIFT, PolyPhen-2, Align-GVGD) all suggest that this variant is likely to be tolerated. This variant has not been reported in the literature in individuals affected with TBXAS1-related conditions. This variant is present in population databases (rs202115912, gnomAD 0.01%).